The following is an entry in ClinVar:

NM_004656.4(BAP1):c.833_834del (p.Glu278fs)

Gene: BAP1 (BRCA1 associated deubiquitinase 1; minus strand). Cytogenetic location: 3p21.1.
Variant type: Microsatellite.
Coding change: c.833_834del on transcript NM_004656.4 (MANE Select); coding-DNA positions 833 to 834, 2 bases deleted (AG; older notation c.833_834delAG).
Protein change: p.Glu278fs; shifts the reading frame from glutamic acid 278.
Molecular consequence: frameshift variant.
Genome position (GRCh38, 1-based): chr3:52,405,862-52,405,863, CT deleted on the plus strand (AG on the coding strand, the reverse complement: BAP1 is on the minus strand); deleting any 2 consecutive bases within chr3:52,405,862-52,405,865 gives the same sequence; the c. name uses the placement nearest the transcript's 3' end. VCF-style (leftmost placement, unchanged base first): chr3-52405861-ACT-A. GRCh37 (hg19) VCF-style: chr3-52439877-ACT-A.
Other names: c.779_780del, p.Glu260fs (NM_001410772.1); c.831_832AG[1], p.Glu278Valfs (NM_004656.2); c.833_834delAG (NM_004656.2); short protein forms E260fs, E278fs.
Identifiers: ClinVar variation 3477915 (VCV003477915.1).

ClinVar aggregate classification (germline): Pathogenic (1 of 4 stars; one submission).

Conditions:
Hereditary cancer-predisposing syndrome. Also called: Tumor predisposition; Neoplastic Syndromes, Hereditary; Hereditary neoplastic syndrome; Hereditary Cancer Syndrome. Identifiers: Orphanet 140162, MedGen C0027672, MeSH D009386, MONDO:0015356.

Submission:

Ambry Genetics
Classification: Pathogenic for Hereditary cancer-predisposing syndrome. Last evaluated: 2024-12-06. Review status: criteria provided, single submitter. Criteria: Ambry Variant Classification Scheme 2023. Collection method: clinical testing. Allele origin: germline.
Comment: The c.833_834delAG pathogenic mutation, located in coding exon 10 of the BAP1 gene, results from a deletion of two nucleotides at nucleotide positions 833 to 834, causing a translational frameshift with a predicted alternate stop codon (p.E278Vfs*5). This variant was reported in individual(s) with features consistent with BAP1-related tumor predisposition syndrome (Ambry internal data). This variant is considered to be rare based on population cohorts in the Genome Aggregation Database (gnomAD). This alteration is expected to result in loss of function by premature protein truncation or nonsense-mediated mRNA decay. As such, this alteration is interpreted as a disease-causing mutation.